The following is an entry in ClinVar:

ClinVar aggregate classification (germline): Uncertain significance/Uncertain risk allele. Review status: criteria provided, multiple submitters, no conflicts (2 of 4 stars). 2 submissions from 2 submitters: Uncertain significance (1); Uncertain risk allele (1). Last evaluated 2017-09-29.

Conditions:
Diabetic retinopathy. Identifiers: MedGen C0011884, MONDO:0005266.

Submissions (2):

GeneDx
Classification: Uncertain significance. Last evaluated: 2017-09-29. Review status: criteria provided, single submitter. Criteria: GeneDx Variant Classification (06012015). Collection method: clinical testing. Allele origin: germline. Affected: yes.
Comment: A variant of uncertain significance has been identified in the TGFBR2 gene. The H109L variant has not been published as pathogenic or been reported as benign to our knowledge. This variant is also not observed in large population cohorts (Lek et al., 2016). The H109L variant is a non-conservative amino acid substitution, which is likely to impact secondary protein structure as these residues differ in polarity, charge, size and/or other properties. Additionally, this substitution occurs at a position that is conserved in mammals. Nevertheless, in silico analysis is inconsistent in its predictions as to whether or not the variant is damaging to the protein structure/function.

Clinical Genomics, Uppaluri K&H Personalized Medicine Clinic
Classification: Uncertain risk allele for Diabetic retinopathy. Review status: criteria provided, single submitter. Criteria: K And H Uppaluri Personalized Medicine Clinic Variant Classification And Assertion Criteria Updated V 2. Collection method: research. Allele origin: unknown.
Comment: Potent mutations in TGFBR2 gene encodes the transforming growth factor that have been associated with angiogenesis and diabetic retinopathy. More clinical studies are needed for stronger association. However, more evidence is required to confer the association of this particular variant rs1553627759 with diabetic retinopathy.

Literature cited by the submitters: PubMed 30222965 (cited by Clinical Genomics, Uppaluri K&H Personalized Medicine Clinic); PubMed 28162229 (cited by Clinical Genomics, Uppaluri K&H Personalized Medicine Clinic); PubMed 34572573 (cited by Clinical Genomics, Uppaluri K&H Personalized Medicine Clinic).

NM_003242.6(TGFBR2):c.326A>T (p.His109Leu)

Gene: TGFBR2 (transforming growth factor beta receptor 2; plus strand). Cytogenetic location: 3p24.1.
Variant type: single nucleotide variant.
Coding change: c.326A>T on transcript NM_003242.6 (MANE Select); coding-DNA position 326, A replaced by T.
Protein change: p.His109Leu; replaces histidine 109 with leucine.
Molecular consequence: missense variant.
Genome position (GRCh38, 1-based): chr3:30,650,332, A>T. VCF-style: chr3-30650332-A-T. GRCh37 (hg19) VCF-style: chr3-30691824-A-T.
Other names: c.401A>T, p.His134Leu (NM_001024847.3, NM_001407126.1, NM_001407139.1); c.326A>T, p.His109Leu (NM_001407127.1, NM_001407130.1); c.353A>T, p.His118Leu (NM_001407128.1); c.221A>T, p.His74Leu (NM_001407129.1, NM_001407132.1, NM_001407133.1 and 3 more transcripts); short protein forms H109L, H134L, H118L, H74L.
Identifiers: ClinVar variation 452265 (VCV000452265.4), dbSNP rs1553627759, ClinGen allele CA351806835.